The following is an entry in ClinVar:

NM_014714.4(IFT140):c.3031G>A (p.Ala1011Thr)

Genes: IFT140 (intraflagellar transport 140; minus strand), LOC126862260 (CDK7 strongly-dependent group 2 enhancer GRCh37_chr16:1574508-1575707; plus strand). Cytogenetic location: 16p13.3.
Variant type: single nucleotide variant.
Coding change: c.3031G>A on transcript NM_014714.4 (MANE Select); coding-DNA position 3031, G replaced by A.
Protein change: p.Ala1011Thr; replaces alanine 1011 with threonine.
Molecular consequence: missense variant.
Genome position (GRCh38, 1-based): chr16:1,524,662, C>T on the plus strand (G>A on the coding strand, the complement: IFT140 is on the minus strand). VCF-style: chr16-1524662-C-T. GRCh37 (hg19) VCF-style: chr16-1574663-C-T.
Other names: short protein forms A1011T.
Identifiers: ClinVar variation 2165305 (VCV002165305.1), dbSNP rs1195851729, ClinGen allele CA394226083.

ClinVar aggregate classification (germline): Uncertain significance (1 of 4 stars; one submission).

Conditions:
Saldino-Mainzer syndrome (SRTD9). Also called: short-rib thoracic dysplasia 9 with or without polydactyly; CONORENAL SYNDROME; Renal dysplasia, retinal pigmentary dystrophy, cerebellar ataxia and skeletal dysplasia; SHORT-RIB THORACIC DYSPLASIA 9 WITHOUT POLYDACTYLY. Identifiers: Orphanet 140969, MedGen C1849437, MONDO:0009964, OMIM 266920.

Allele frequency attached by ClinVar (database versions not stated): TOPMed below 0.00001; gnomAD 0.00001.
gnomAD v4.1: 3 of 1,579,592 alleles (0.00019%); highest among the groups gnomAD compares: Non-Finnish European, 0.000086%; no homozygotes.

Submission:

Labcorp Genetics (formerly Invitae), Labcorp
Classification: Uncertain significance for Saldino-Mainzer syndrome. Last evaluated: 2022-08-10. Review status: criteria provided, single submitter. Criteria: Invitae Variant Classification Sherloc (09022015). Collection method: clinical testing. Allele origin: germline.
Comment: This sequence change replaces alanine, which is neutral and non-polar, with threonine, which is neutral and polar, at codon 1011 of the IFT140 protein (p.Ala1011Thr). This variant is not present in population databases (gnomAD no frequency). This variant has not been reported in the literature in individuals affected with IFT140-related conditions. Algorithms developed to predict the effect of missense changes on protein structure and function are either unavailable or do not agree on the potential impact of this missense change (SIFT: "Deleterious"; PolyPhen-2: "Possibly Damaging"; Align-GVGD: "Class C0"). In summary, the available evidence is currently insufficient to determine the role of this variant in disease. Therefore, it has been classified as a Variant of Uncertain Significance.